The following is an entry in ClinVar:

ClinVar aggregate classification (germline): Uncertain significance. Review status: criteria provided, multiple submitters, no conflicts (2 of 4 stars). 2 submissions from 2 submitters: Uncertain significance (2). Last evaluated 2024-11-15.

Conditions:
Encephalopathy, acute, infection-induced (herpes-specific), susceptibility to, 1. Also called: Herpes simplex encephalitis, susceptibility to, 1. Identifiers: Orphanet 1930, MedGen C2750180, MONDO:0024563, OMIM 610551.

Allele frequency attached by ClinVar (database versions not stated): gnomAD exomes 0.00006 and 0.00019; gnomAD 0.00011; TOPMed 0.00008; ExAC 0.00010; 1000 Genomes Project 30x 0.00016.
gnomAD v4.1: 115 of 1,531,396 alleles (0.0075%); highest among the groups gnomAD compares: Admixed American, 0.067%; no homozygotes.

Submissions (2):

Blueprint Genetics
Classification: Uncertain significance. Last evaluated: 2024-11-15. Review status: criteria provided, single submitter. Criteria: ACMG Guidelines, 2015. Collection method: clinical testing. Allele origin: germline.

Labcorp Genetics (formerly Invitae), Labcorp
Classification: Uncertain significance for Encephalopathy, acute, infection-induced (herpes-specific), susceptibility to, 1. Last evaluated: 2022-10-17. Review status: criteria provided, single submitter. Criteria: Invitae Variant Classification Sherloc (09022015). Collection method: clinical testing. Allele origin: germline.
Comment: This sequence change replaces glycine, which is neutral and non-polar, with aspartic acid, which is acidic and polar, at codon 554 of the UNC93B1 protein (p.Gly554Asp). This variant is present in population databases (rs2375179, gnomAD 0.08%). This variant has not been reported in the literature in individuals affected with UNC93B1-related conditions. ClinVar contains an entry for this variant (Variation ID: 470493). Algorithms developed to predict the effect of missense changes on protein structure and function output the following: SIFT: "Not Available"; PolyPhen-2: "Not Available"; Align-GVGD: "Not Available". The aspartic acid amino acid residue is found in multiple mammalian species, which suggests that this missense change does not adversely affect protein function. In summary, the available evidence is currently insufficient to determine the role of this variant in disease. Therefore, it has been classified as a Variant of Uncertain Significance.

NM_030930.4(UNC93B1):c.1661G>A (p.Gly554Asp)

Gene: UNC93B1 (unc-93B1 regulator of TLR signaling; minus strand). Cytogenetic location: 11q13.2.
Variant type: single nucleotide variant.
Coding change: c.1661G>A on transcript NM_030930.4 (MANE Select); coding-DNA position 1661, G replaced by A.
Protein change: p.Gly554Asp; replaces glycine 554 with aspartic acid.
Molecular consequence: missense variant.
Genome position (GRCh38, 1-based): chr11:67,991,679, C>T on the plus strand (G>A on the coding strand, the complement: UNC93B1 is on the minus strand). VCF-style: chr11-67991679-C-T. GRCh37 (hg19) VCF-style: chr11-67759150-C-T.
Other names: short protein forms G554D.
Identifiers: ClinVar variation 470493 (VCV000470493.8), dbSNP rs2375179, ClinGen allele CA6145347.